The following is an entry in ClinVar:

ClinVar aggregate classification (germline): Uncertain significance (1 of 4 stars; one submission).

Conditions:
Nemaline myopathy 2 (NEM2). Also called: Nemaline myopathy 2, autosomal recessive. Identifiers: MedGen C1850569, MONDO:0009725, OMIM 256030.

Allele frequency attached by ClinVar (database versions not stated): gnomAD exomes below 0.00001.

Submission:

Labcorp Genetics (formerly Invitae), Labcorp
Classification: Uncertain significance for Nemaline myopathy 2. Last evaluated: 2021-05-29. Review status: criteria provided, single submitter. Criteria: Invitae Variant Classification Sherloc (09022015). Collection method: clinical testing. Allele origin: germline.
Comment: This sequence change replaces methionine with valine at codon 1535 of the NEB protein (p.Met1535Val). The methionine residue is moderately conserved and there is a small physicochemical difference between methionine and valine. This variant is not present in population databases (ExAC no frequency). This variant has not been reported in the literature in individuals with NEB-related conditions. Algorithms developed to predict the effect of missense changes on protein structure and function are either unavailable or do not agree on the potential impact of this missense change (SIFT: "Deleterious"; PolyPhen-2: "Not Available"; Align-GVGD: "Class C0"). Algorithms developed to predict the effect of sequence changes on RNA splicing suggest that this variant may create or strengthen a splice site, but this prediction has not been confirmed by published transcriptional studies. In summary, the available evidence is currently insufficient to determine the role of this variant in disease. Therefore, it has been classified as a Variant of Uncertain Significance.

NM_001164508.2(NEB):c.4603A>G (p.Met1535Val)

Gene: NEB (nebulin; minus strand). Cytogenetic location: 2q23.3.
Variant type: single nucleotide variant.
Coding change: c.4603A>G on transcript NM_001164508.2 (MANE Select); coding-DNA position 4603, A replaced by G.
Protein change: p.Met1535Val; replaces methionine 1535 with valine.
Molecular consequence: missense variant.
Genome position (GRCh38, 1-based): chr2:151,669,035, T>C on the plus strand (A>G on the coding strand, the complement: NEB is on the minus strand). VCF-style: chr2-151669035-T-C. GRCh37 (hg19) VCF-style: chr2-152525549-T-C.
Other names: c.4603A>G, p.Met1535Val (NM_001164507.2, NM_001271208.2, NM_004543.5); short protein forms M1535V.
Identifiers: ClinVar variation 1936574 (VCV001936574.2), dbSNP rs2552259300, ClinGen allele CA348814947.